The following is an entry in ClinVar:

NM_017570.5(OPLAH):c.970C>T (p.Arg324Cys)

Gene: OPLAH (5-oxoprolinase, ATP-hydrolysing; minus strand). Cytogenetic location: 8q24.3.
Variant type: single nucleotide variant.
Coding change: c.970C>T on transcript NM_017570.5 (MANE Select); coding-DNA position 970, C replaced by T.
Protein change: p.Arg324Cys; replaces arginine 324 with cysteine.
Molecular consequence: missense variant.
Genome position (GRCh38, 1-based): chr8:144,058,128, G>A on the plus strand (C>T on the coding strand, the complement: OPLAH is on the minus strand). VCF-style: chr8-144058128-G-A. GRCh37 (hg19) VCF-style: chr8-145113031-G-A.
Other names: short protein forms R324C.
Identifiers: ClinVar variation 3633055 (VCV003633055.2).

ClinVar aggregate classification (germline): Uncertain significance (1 of 4 stars; one submission).

Conditions:
5-Oxoprolinase deficiency (OPLAHD). Also called: 5-OXOPROLINURIA DUE TO 5-OXOPROLINASE DEFICIENCY. Identifiers: Orphanet 33572, MedGen C0268525, MONDO:0009825, OMIM 260005, HP:0040142.

gnomAD v4.1: 52 of 1,612,356 alleles (0.0032%); highest among the groups gnomAD compares: Non-Finnish European, 0.0038%; no homozygotes.

Submission:

Labcorp Genetics (formerly Invitae), Labcorp
Classification: Uncertain significance for 5-Oxoprolinase deficiency. Last evaluated: 2024-11-25. Review status: criteria provided, single submitter. Criteria: Invitae Variant Classification Sherloc (09022015). Collection method: clinical testing. Allele origin: germline.
Comment: This sequence change replaces arginine, which is basic and polar, with cysteine, which is neutral and slightly polar, at codon 324 of the OPLAH protein (p.Arg324Cys). This variant is present in population databases (rs782363249, gnomAD 0.02%). This variant has not been reported in the literature in individuals affected with OPLAH-related conditions. An algorithm developed to predict the effect of missense changes on protein structure and function (PolyPhen-2) suggests that this variant is likely to be disruptive. In summary, the available evidence is currently insufficient to determine the role of this variant in disease. Therefore, it has been classified as a Variant of Uncertain Significance.